The following is an entry in ClinVar:

ClinVar aggregate classification (germline): Likely benign. Review status: criteria provided, multiple submitters, no conflicts (2 of 4 stars). 4 submissions from 4 submitters: Likely benign (4). Last evaluated 2024-05-24.

Conditions:
Familial cancer of breast. Also called: Hereditary breast cancer; BREAST CANCER, FAMILIAL; hereditary breast carcinoma. Identifiers: Orphanet 227535, MedGen C0346153, MONDO:0016419, OMIM 114480. Disease mechanism: loss of function.
Ataxia-telangiectasia syndrome (AT). Also called: LOUIS-BAR SYNDROME; Cerebello-oculocutaneous telangiectasia; Immunodeficiency with ataxia telangiectasia; Ataxia-telangiectasia, complementation group D; AT, COMPLEMENTATION GROUP C; Ataxia-telangiectasia, complementation group E. Identifiers: Orphanet 100, MedGen C0004135, MONDO:0008840, OMIM 208900.

Submissions (4):

Myriad Genetics, Inc.
Classification: Likely benign for Familial cancer of breast. Last evaluated: 2024-05-24. Review status: criteria provided, single submitter. Criteria: Myriad Autosomal Dominant, Autosomal Recessive and X-Linked Classification Criteria (2023). Collection method: clinical testing. Allele origin: unknown.
Comment: This variant is considered likely benign. This variant is intronic and is not expected to impact mRNA splicing.

Labcorp Genetics (formerly Invitae), Labcorp
Classification: Likely benign for Ataxia-telangiectasia syndrome. Last evaluated: 2021-08-12. Review status: criteria provided, single submitter. Criteria: Invitae Variant Classification Sherloc (09022015). Collection method: clinical testing. Allele origin: germline.

Department of Pathology and Laboratory Medicine, Sinai Health System
Classification: Likely benign for Familial cancer of breast. Last evaluated: 2020-12-17. Review status: criteria provided, single submitter. Criteria: ACMG Guidelines, 2015. Collection method: clinical testing. Allele origin: germline. Affected: yes.

GeneDx
Classification: Likely benign. Last evaluated: 2016-09-12. Review status: criteria provided, single submitter. Criteria: GeneDx Variant Classification (06012015). Collection method: clinical testing. Allele origin: germline. Affected: yes.
Comment: This variant is considered likely benign or benign based on one or more of the following criteria: it is a conservative change, it occurs at a poorly conserved position in the protein, it is predicted to be benign by multiple in silico algorithms, and/or has population frequency not consistent with disease.

NM_000051.4(ATM):c.5763-12A>G

Genes: ATM (ATM serine/threonine kinase; plus strand), C11orf65 (chromosome 11 open reading frame 65; minus strand). Cytogenetic location: 11q22.3.
Variant type: single nucleotide variant.
Coding change: c.5763-12A>G on transcript NM_000051.4 (MANE Select); 12 bases into the intron before coding-DNA position 5763, A replaced by G.
Molecular consequence: intron variant.
Genome position (GRCh38, 1-based): chr11:108,310,148, A>G. VCF-style: chr11-108310148-A-G. GRCh37 (hg19) VCF-style: chr11-108180875-A-G.
Other names: c.5763-12A>G (NM_001351834.2); c.641-1077T>C (NM_001330368.2); c.*39-1077T>C (NM_001351110.2).
Identifiers: ClinVar variation 389284 (VCV000389284.12), dbSNP rs1057523388, ClinGen allele CA16606830.